The following is an entry in ClinVar:

ClinVar aggregate classification (germline): Uncertain significance (1 of 4 stars; one submission).

Conditions:
Neuropathy, hereditary motor and sensory, type 6B (HMSN6B). Also called: NEUROPATHY, HEREDITARY MOTOR AND SENSORY, TYPE VIB, WITH OPTIC ATROPHY; HMSN VIB; CHARCOT-MARIE-TOOTH DISEASE, TYPE 6B; Neuropathy, hereditary motor and sensory, type VIB. Identifiers: MedGen C4225302, MONDO:0014671, OMIM 616505.

Allele frequency attached by ClinVar (database versions not stated): TOPMed 0.00005.

Submission:

Labcorp Genetics (formerly Invitae), Labcorp
Classification: Uncertain significance for Neuropathy, hereditary motor and sensory, type 6B. Last evaluated: 2022-10-10. Review status: criteria provided, single submitter. Criteria: Invitae Variant Classification Sherloc (09022015). Collection method: clinical testing. Allele origin: germline.
Comment: This sequence change replaces glycine, which is neutral and non-polar, with arginine, which is basic and polar, at codon 36 of the SLC25A46 protein (p.Gly36Arg). The frequency data for this variant in the population databases is considered unreliable, as metrics indicate poor data quality at this position in the gnomAD database. This missense change has been observed in individual(s) with clinical features of SLC25A46-related conditions although a second variant was not observed (PMID: 33369814). ClinVar contains an entry for this variant (Variation ID: 1464327). Algorithms developed to predict the effect of missense changes on protein structure and function (SIFT, PolyPhen-2, Align-GVGD) all suggest that this variant is likely to be tolerated. In summary, the available evidence is currently insufficient to determine the role of this variant in disease. Therefore, it has been classified as a Variant of Uncertain Significance.

Literature cited by the submitters: PubMed 33369814.

NM_138773.4(SLC25A46):c.106G>A (p.Gly36Arg)

Gene: SLC25A46 (solute carrier family 25 member 46; plus strand). Cytogenetic location: 5q22.1.
Variant type: single nucleotide variant.
Coding change: c.106G>A on transcript NM_138773.4 (MANE Select); coding-DNA position 106, G replaced by A.
Protein change: p.Gly36Arg; replaces glycine 36 with arginine.
Molecular consequence: missense variant. On other transcripts: non-coding transcript variant (1), intron variant (1).
Genome position (GRCh38, 1-based): chr5:110,739,225, G>A. VCF-style: chr5-110739225-G-A. GRCh37 (hg19) VCF-style: chr5-110074926-G-A.
Other names: c.106G>A, p.Gly36Arg (NM_001303249.3); c.10+978G>A (NM_001303250.3); short protein forms G36R.
Identifiers: ClinVar variation 1464327 (VCV001464327.3), dbSNP rs761259380, ClinGen allele CA3364471.
Genomic context (GRCh38, chr5:110,739,225, plus strand): 5'-GGTGGTGCCCGGGACGAGCAGGGCTTTGGCGGCGCCTTCCCTGCAAGGTCCTTCAGCACC[G>A]GGTCGGACCTGGGCCACTGGGTGACGACTCCCCCAGATATCCCCGGCAGCCGCAACCTGC-3'
Protein context (NP_620128.1, residues 26-46): GAFPARSFST[Gly36Arg]SDLGHWVTTP